The following is an entry in ClinVar:

ClinVar aggregate classification (germline): Conflicting classifications of pathogenicity. Review status: criteria provided, conflicting classifications (1 of 4 stars). 9 submissions from 9 submitters: Uncertain significance (6); Likely benign (3). Last evaluated 2026-02-13.

Conditions:
Autosomal recessive limb-girdle muscular dystrophy type 2J (LGMDR10). Also called: Limb-girdle muscular dystrophy, type 2J; MUSCULAR DYSTROPHY, LIMB-GIRDLE, AUTOSOMAL RECESSIVE 10. Identifiers: Orphanet 140922, MedGen C1837342, MONDO:0012127, OMIM 608807.
Dilated cardiomyopathy 1G (CMD1G). Identifiers: Orphanet 154, MedGen C1858763, MONDO:0011400, OMIM 604145.
TTN-related disorder. Also called: TTN-related condition; TTN-related disease; TTN-related disorders.
Cardiovascular phenotype. Identifiers: MedGen CN230736.

Allele frequency attached by ClinVar (database versions not stated): gnomAD exomes 0.00003 and 0.00010; TOPMed 0.00006; ExAC 0.00008; gnomAD 0.00009; 1000 Genomes Project 30x 0.00016; 1000 Genomes Project 0.00020.
gnomAD v4.1: 69 of 1,613,850 alleles (0.0043%); highest among the groups gnomAD compares: Middle Eastern, 0.066%; no homozygotes.

Submissions (9):

PreventionGenetics, part of Exact Sciences
Classification: Uncertain significance for TTN-related condition. Last evaluated: 2026-02-13. Review status: criteria provided, single submitter. Criteria: ACMG Guidelines, 2015. Collection method: clinical testing. Allele origin: germline.
Comment: The TTN c.3608G>C variant is predicted to result in the amino acid substitution p.Gly1203Ala. To our knowledge, this variant has not been reported in the literature. This variant is reported in 0.016% of alleles in individuals of European (Non-Finnish) descent in gnomAD. At this time, the clinical significance of this variant is uncertain due to the absence of conclusive functional and genetic evidence.

Women's Health and Genetics/Laboratory Corporation of America, LabCorp
Classification: Uncertain significance. Last evaluated: 2026-01-26. Review status: criteria provided, single submitter. Criteria: LabCorp Variant Classification Summary - May 2015. Collection method: clinical testing. Allele origin: germline.
Comment: Variant summary: TTN c.3608G>C (p.Gly1203Ala) results in a non-conservative amino acid change in the encoded protein sequence. Algorithms developed to predict the effect of missense changes on protein structure and function are either unavailable or do not agree on the potential impact of this missense change. The variant allele was found at a frequency of 9.6e-05 in 250838 control chromosomes. This frequency is not significantly higher than estimated for disease-causing variants in TTN, allowing no conclusion about variant significance. To our knowledge, no occurrence of c.3608G>C in individuals affected with TTN-related conditions and no experimental evidence demonstrating its impact on protein function have been reported. The following publications have been ascertained in the context of this evaluation (PMID: 25275298, 34103343, 24316981). ClinVar contains an entry for this variant (Variation ID: 405080). Based on the evidence outlined above, the variant was classified as uncertain significance.

Molecular Diagnostic Laboratory for Inherited Cardiovascular Disease, Montreal Heart Institute
Classification: Likely benign. Last evaluated: 2025-07-24. Review status: criteria provided, single submitter. Criteria: ACMG Guidelines, 2015. Collection method: clinical testing. Allele origin: germline. Affected: no.
Comment: BP1

Athena Diagnostics
Classification: Uncertain significance. Last evaluated: 2025-01-21. Review status: criteria provided, single submitter. Criteria: Athena Diagnostics Criteria. Collection method: clinical testing. Allele origin: unknown.
Comment: Available data are insufficient to determine the clinical significance of the variant at this time. The frequency of this variant in the general population is higher than would generally be expected for pathogenic variants in this gene. Polyphen and MutationTaster predict this amino acid change may be benign.

Blueprint Genetics
Classification: Likely benign. Last evaluated: 2024-07-29. Review status: criteria provided, single submitter. Criteria: ACMG Guidelines, 2015. Collection method: clinical testing. Allele origin: germline.

CeGaT Center for Human Genetics Tuebingen
Classification: Uncertain significance. Last evaluated: 2022-06-01. Review status: criteria provided, single submitter. Criteria: CeGaT Center For Human Genetics Tuebingen Variant Classification Criteria Version 2. Collection method: clinical testing. Allele origin: germline. Affected: yes. Observed: 1 variant allele.
Comment: TTN: PM2

Ambry Genetics
Classification: Likely benign for Cardiovascular phenotype. Last evaluated: 2020-07-21. Review status: criteria provided, single submitter. Criteria: Ambry Variant Classification Scheme 2023. Collection method: clinical testing. Allele origin: germline.

Revvity Omics, Revvity
Classification: Uncertain significance. Last evaluated: 2019-03-12. Review status: criteria provided, single submitter. Criteria: ACMG Guidelines, 2015. Collection method: clinical testing. Allele origin: germline.

Labcorp Genetics (formerly Invitae), Labcorp
Classification: Uncertain significance for Dilated cardiomyopathy 1G; Autosomal recessive limb-girdle muscular dystrophy type 2J. Last evaluated: 2016-12-01. Review status: criteria provided, single submitter. Criteria: Invitae Variant Classification Sherloc (09022015). Collection method: clinical testing. Allele origin: germline.

Literature cited by the submitters: PubMed 25275298 (cited by Women's Health and Genetics/Laboratory Corporation of America, LabCorp); PubMed 34103343 (cited by Women's Health and Genetics/Laboratory Corporation of America, LabCorp); PubMed 24316981 (cited by Women's Health and Genetics/Laboratory Corporation of America, LabCorp).

NM_001267550.2(TTN):c.3608G>C (p.Gly1203Ala)

Gene: TTN (titin; minus strand). Cytogenetic location: 2q31.2.
Variant type: single nucleotide variant.
Coding change: c.3608G>C on transcript NM_001267550.2 (MANE Select); coding-DNA position 3608, G replaced by C.
Protein change: p.Gly1203Ala; replaces glycine 1203 with alanine.
Molecular consequence: missense variant.
Genome position (GRCh38, 1-based): chr2:178,780,121, C>G on the plus strand (G>C on the coding strand, the complement: TTN is on the minus strand). VCF-style: chr2-178780121-C-G. GRCh37 (hg19) VCF-style: chr2-179644848-C-G.
Other names: c.3608G>C, p.Gly1203Ala (NM_001256850.1, NM_133378.4, NM_133379.5); c.3470G>C, p.Gly1157Ala (NM_003319.4, NM_133432.3, NM_133437.4); c.3608G>C (NM_001267550.1); short protein forms G1203A, G1157A.
Identifiers: ClinVar variation 405080 (VCV000405080.37), dbSNP rs564353179, ClinGen allele CA2005517.